The following is an entry in ClinVar:

NM_000518.4(HBB):c.238G>C (p.Asp80His)

Genes: HBB (hemoglobin subunit beta; minus strand), LOC107133510 (origin of replication at HBB; plus strand), LOC106099062 (HBB recombination region; plus strand). Cytogenetic location: 11p15.4.
Variant type: single nucleotide variant.
Coding change: c.238G>C on transcript NM_000518.4; coding-DNA position 238, G replaced by C.
Protein change: p.Asp80His; replaces aspartic acid 80 with histidine.
Molecular consequence: missense variant (on NM_000518.5).
Genome position (GRCh38, 1-based): chr11:5,226,654, C>G on the plus strand (G>C on the coding strand, the complement: HBB is on the minus strand). VCF-style: chr11-5226654-C-G. GRCh37 (hg19) VCF-style: chr11-5247884-C-G.
Other names: D79H; c.238G>C, p.Asp80His (NM_000518.5); short protein forms D80H.
Identifiers: ClinVar variation 15522 (VCV000015522.10), dbSNP rs33990858, ClinGen allele CA125389.

ClinVar aggregate classification (germline): Uncertain significance. Review status: criteria provided, single submitter (1 of 4 stars). 2 submissions from 2 submitters: Uncertain significance (1). 1 of the submissions does not count toward it. Last evaluated 2019-04-10.

Conditions:
HEMOGLOBIN TIGRAYE.

Submissions (2):

ARUP Laboratories, Molecular Genetics and Genomics, ARUP Laboratories
Classification: Uncertain significance. Last evaluated: 2019-04-10. Review status: criteria provided, single submitter. Criteria: ARUP Molecular Germline Variant Investigation Process. Collection method: clinical testing. Allele origin: germline.
Comment: The Hb Tigraye (HBB: c.238G>C; p.Asp80His, also known as Asp79His when numbered from the mature protein; rs33990858) is reported in the literature in several healthy individuals with normal hematology (Pistidda 2001, HbVar and references therein). This variant is reported in ClinVar (Variation ID: 15522), but it is absent from general population databases (Exome Variant Server, Genome Aggregation Database), indicating it is not a common polymorphism. The aspartate at codon 80 is highly conserved, and computational analyses (SIFT, PolyPhen-2) predict that this variant is deleterious, though these are low-confidence predictions. Additionally, other amino acid substitutions at this codon (Asn, Tyr, Gly, and Ala) have been reported in clinically normal individuals, including a healthy individual homozygous for the p.Asp80Tyr variant (Lehmann 1964, HbVar database), and are not reported in association with disease, suggesting missense variants at this codon may be tolerated. However, studies in separate families by two groups measured increased oxygen affinity in Hb Tigraye (Pistidda 2001; Molchanova 1993). Although erythrocyte indices were normal in carriers, it is uncertain what the effect would be in combination with a beta-thalassemia variant. Given the lack of clinical and functional data, the significance of the p.Asp80His variant is uncertain at this time. References: HbVar link to Hb Tigraye: Lehmann H et al. Haemoglobin GACCRA. Nature. 1964; 203:363-5. Molchanova TP et al. Hb Tigraye or alpha 2 beta (2)79(EF3)Asp-->His(GAC-->CAC): a hemoglobin variant with increased oxygen affinity observed in an Ethiopian male. Hemoglobin. 1993 Jun;17(3):247-50. Pistidda P et al. Hb Tigraye [beta79(EF3)Asp --> His] in a Caucasian family from Sardinia. Hemoglobin. 2001 Aug;25(3):341-5.

OMIM
Classification: other for HEMOGLOBIN TIGRAYE. Last evaluated: 2017-12-12. Review status: no assertion criteria provided. Collection method: literature only. Allele origin: germline. Not counted in ClinVar's aggregate classification.

Literature cited by the submitters: PubMed 8330977 (cited by OMIM); PubMed 11570729 (cited by OMIM).